The following is an entry in ClinVar:

ClinVar aggregate classification (germline): Uncertain significance (1 of 4 stars; one submission).

Allele frequency attached by ClinVar (database versions not stated): gnomAD exomes below 0.00001.
gnomAD v4.1: 3 of 1,606,524 alleles (0.00019%); highest among the groups gnomAD compares: Non-Finnish European, 0.00025%; no homozygotes.

Submission:

GeneDx
Classification: Uncertain significance. Last evaluated: 2025-06-14. Review status: criteria provided, single submitter. Criteria: GeneDx Variant Classification Process June 2021. Collection method: clinical testing. Allele origin: germline. Affected: yes.
Comment: Not observed at significant frequency in large population cohorts (gnomAD); In silico analysis suggests that this missense variant does not alter protein structure/function; Has not been previously published as pathogenic or benign to our knowledge

NM_001375524.1(TRRAP):c.364G>C (p.Glu122Gln)

Gene: TRRAP (transformation/transcription domain associated protein; plus strand). Cytogenetic location: 7q22.1.
Variant type: single nucleotide variant.
Coding change: c.364G>C on transcript NM_001375524.1 (MANE Select); coding-DNA position 364, G replaced by C.
Protein change: p.Glu122Gln; replaces glutamic acid 122 with glutamine.
Molecular consequence: missense variant.
Genome position (GRCh38, 1-based): chr7:98,892,526, G>C. VCF-style: chr7-98892526-G-C. GRCh37 (hg19) VCF-style: chr7-98490149-G-C.
Other names: c.364G>C, p.Glu122Gln (NM_001244580.2, NM_003496.4); short protein forms E122Q.
Identifiers: ClinVar variation 2504283 (VCV002504283.2), dbSNP rs868988327, ClinGen allele CA368307257.